The following is an entry in ClinVar:

NM_002907.4(RECQL):c.1277T>G (p.Ile426Arg)

Gene: RECQL (RecQ like helicase; minus strand). Cytogenetic location: 12p12.1.
Variant type: single nucleotide variant.
Coding change: c.1277T>G on transcript NM_002907.4 (MANE Select); coding-DNA position 1277, T replaced by G.
Protein change: p.Ile426Arg; replaces isoleucine 426 with arginine.
Molecular consequence: missense variant.
Genome position (GRCh38, 1-based): chr12:21,474,919, A>C on the plus strand (T>G on the coding strand, the complement: RECQL is on the minus strand). VCF-style: chr12-21474919-A-C. GRCh37 (hg19) VCF-style: chr12-21627853-A-C.
Other names: c.1277T>G, p.Ile426Arg (NM_032941.3); short protein forms I426R.
Identifiers: ClinVar variation 1718099 (VCV001718099.5), dbSNP rs2540341062, ClinGen allele CA384118590.

ClinVar aggregate classification (germline): Uncertain significance (1 of 4 stars; one submission).

Submission:

Labcorp Genetics (formerly Invitae), Labcorp
Classification: Uncertain significance. Last evaluated: 2022-08-27. Review status: criteria provided, single submitter. Criteria: Invitae Variant Classification Sherloc (09022015). Collection method: clinical testing. Allele origin: germline.
Comment: In summary, the available evidence is currently insufficient to determine the role of this variant in disease. Therefore, it has been classified as a Variant of Uncertain Significance. Algorithms developed to predict the effect of missense changes on protein structure and function are either unavailable or do not agree on the potential impact of this missense change (SIFT: "Deleterious"; PolyPhen-2: "Possibly Damaging"; Align-GVGD: "Class C0"). This variant has not been reported in the literature in individuals affected with RECQL-related conditions. This variant is not present in population databases (gnomAD no frequency). This sequence change replaces isoleucine, which is neutral and non-polar, with arginine, which is basic and polar, at codon 426 of the RECQL protein (p.Ile426Arg).